The following is an entry in ClinVar:

ClinVar aggregate classification (germline): Uncertain significance (1 of 4 stars; one submission).

Conditions:
Ehlers-Danlos syndrome, type 4 (EDSVASC). Also called: Ehlers-Danlos Syndrome Type IV; Ehlers-Danlos syndrome vascular type; Ehlers Danlos syndrome, ecchymotic type; Ehlers Danlos syndrome, arterial type; Ehlers Danlos syndrome, Sack-Barabas type. Identifiers: Orphanet 286, MedGen C0268338, MONDO:0017314, OMIM 130050.

Submission:

All of Us Research Program, National Institutes of Health
Classification: Uncertain significance for Ehlers-Danlos syndrome, type 4. Last evaluated: 2023-11-20. Review status: criteria provided, single submitter. Criteria: ACMG Guidelines, 2015. Collection method: clinical testing. Allele origin: germline. Inheritance: Autosomal dominant inheritance. Observed: 1 variant allele, 1 heterozygote.
Comment: This missense variant replaces leucine with proline at codon 880 of the COL3A1 protein. Computational prediction suggests that this variant may not impact protein structure and function (internally defined REVEL score threshold <= 0.5, PMID: 27666373). To our knowledge, functional studies have not been reported for this variant. This variant has not been reported in individuals affected with COL3A1-related disorders in the literature. This variant has not been identified in the general population by the Genome Aggregation Database (gnomAD). The available evidence is insufficient to determine the role of this variant in disease conclusively. Therefore, this variant is classified as a Variant of Uncertain Significance.

This study involves interpretation of variants in research participants for the purpose of population health screening. Participant phenotype was not available at the time of variant classification. Additional details can be found in publication PMID: 35346344, PMCID: PMC8962531

NM_000090.4(COL3A1):c.2639T>C (p.Leu880Pro)

Gene: COL3A1 (collagen type III alpha 1 chain; plus strand). Cytogenetic location: 2q32.2.
Variant type: single nucleotide variant.
Coding change: c.2639T>C on transcript NM_000090.4 (MANE Select); coding-DNA position 2639, T replaced by C.
Protein change: p.Leu880Pro; replaces leucine 880 with proline.
Molecular consequence: missense variant.
Genome position (GRCh38, 1-based): chr2:189,003,765, T>C. VCF-style: chr2-189003765-T-C. GRCh37 (hg19) VCF-style: chr2-189868491-T-C.
Other names: short protein forms L880P.
Identifiers: ClinVar variation 3074466 (VCV003074466.1), dbSNP rs2469152780, ClinGen allele CA349843598.